The following is an entry in ClinVar:

NM_178452.6(DNAAF1):c.1537C>T (p.Pro513Ser)

Gene: DNAAF1 (dynein axonemal assembly factor 1; plus strand). Cytogenetic location: 16q24.1.
Variant type: single nucleotide variant.
Coding change: c.1537C>T on transcript NM_178452.6 (MANE Select); coding-DNA position 1537, C replaced by T.
Protein change: p.Pro513Ser; replaces proline 513 with serine.
Molecular consequence: missense variant.
Genome position (GRCh38, 1-based): chr16:84,172,268, C>T. VCF-style: chr16-84172268-C-T. GRCh37 (hg19) VCF-style: chr16-84205874-C-T.
Other names: c.829C>T, p.Pro277Ser (NM_001318756.1); c.1537C>T (NM_178452.4); short protein forms P277S, P513S.
Identifiers: ClinVar variation 1016213 (VCV001016213.10), dbSNP rs561606647, ClinGen allele CA396948927.

ClinVar aggregate classification (germline): Uncertain significance. Review status: criteria provided, multiple submitters, no conflicts (2 of 4 stars). 2 submissions from 2 submitters: Uncertain significance (2). Last evaluated 2025-02-22.

Conditions:
Primary ciliary dyskinesia. Also called: Ciliary dyskinesia. Identifiers: Orphanet 244, MedGen C0008780, MONDO:0016575, HP:0012265.

gnomAD v4.1: 1 of 1,613,956 alleles (0.000062%); highest among the groups gnomAD compares: Non-Finnish European, 0.000085%; no homozygotes.

Submissions (2):

Ambry Genetics
Classification: Uncertain significance for Primary ciliary dyskinesia. Last evaluated: 2025-02-22. Review status: criteria provided, single submitter. Criteria: Ambry Variant Classification Scheme 2023. Collection method: clinical testing. Allele origin: germline.

Labcorp Genetics (formerly Invitae), Labcorp
Classification: Uncertain significance for Primary ciliary dyskinesia. Last evaluated: 2020-09-29. Review status: criteria provided, single submitter. Criteria: Invitae Variant Classification Sherloc (09022015). Collection method: clinical testing. Allele origin: germline.
Comment: This variant has not been reported in the literature in individuals with DNAAF1-related conditions. This variant is not present in population databases (ExAC no frequency). This sequence change replaces proline with serine at codon 513 of the DNAAF1 protein (p.Pro513Ser). The proline residue is weakly conserved and there is a moderate physicochemical difference between proline and serine. In summary, the available evidence is currently insufficient to determine the role of this variant in disease. Therefore, it has been classified as a Variant of Uncertain Significance. Algorithms developed to predict the effect of missense changes on protein structure and function output the following: SIFT: "Tolerated"; PolyPhen-2: "Benign"; Align-GVGD: "Class C0". The serine amino acid residue is found in multiple mammalian species, suggesting that this missense change does not adversely affect protein function. These predictions have not been confirmed by published functional studies and their clinical significance is uncertain.